The following is an entry in ClinVar:

NM_001371928.1(AHDC1):c.695A>G (p.Asp232Gly)

Gene: AHDC1 (AT-hook DNA binding motif containing 1; minus strand). Cytogenetic location: 1p36.11.
Variant type: single nucleotide variant.
Coding change: c.695A>G on transcript NM_001371928.1 (MANE Select); coding-DNA position 695, A replaced by G.
Protein change: p.Asp232Gly; replaces aspartic acid 232 with glycine.
Molecular consequence: missense variant.
Genome position (GRCh38, 1-based): chr1:27,551,421, T>C on the plus strand (A>G on the coding strand, the complement: AHDC1 is on the minus strand). VCF-style: chr1-27551421-T-C. GRCh37 (hg19) VCF-style: chr1-27877932-T-C.
Other names: c.695A>G (NM_001029882.2); c.695A>G, p.Asp232Gly (NM_001029882.3); short protein forms D232G.
Identifiers: ClinVar variation 2176979 (VCV002176979.9), dbSNP rs912870237, ClinGen allele CA19878675.

ClinVar aggregate classification (germline): Conflicting classifications of pathogenicity. Review status: criteria provided, conflicting classifications (1 of 4 stars). 4 submissions from 4 submitters: Uncertain significance (3); Likely benign (1). Last evaluated 2026-01-13.

Conditions:
Inborn genetic diseases. Identifiers: MedGen C0950123, MeSH D030342.
AHDC1-related disorder. Also called: AHDC1-related condition.

Allele frequency attached by ClinVar (database versions not stated): gnomAD exomes 0.00001; gnomAD 0.00002; TOPMed 0.00006.
gnomAD v4.1: 11 of 1,613,316 alleles (0.00068%); highest among the groups gnomAD compares: Admixed American, 0.0067%; no homozygotes.

Submissions (4):

PreventionGenetics, part of Exact Sciences
Classification: Uncertain significance for AHDC1-related condition. Last evaluated: 2026-01-13. Review status: criteria provided, single submitter. Criteria: ACMG Guidelines, 2015. Collection method: clinical testing. Allele origin: germline.
Comment: The AHDC1 c.695A>G variant is predicted to result in the amino acid substitution p.Asp232Gly. To our knowledge, this variant has not been reported in the literature or in a large population database (gnomAD), indicating this variant is rare. At this time, the clinical significance of this variant is uncertain due to the absence of conclusive functional and genetic evidence.

Ambry Genetics
Classification: Uncertain significance for Inborn genetic diseases. Last evaluated: 2025-10-29. Review status: criteria provided, single submitter. Criteria: Ambry Variant Classification Scheme 2023. Collection method: clinical testing. Allele origin: germline.

Labcorp Genetics (formerly Invitae), Labcorp
Classification: Likely benign. Last evaluated: 2024-12-09. Review status: criteria provided, single submitter. Criteria: Invitae Variant Classification Sherloc (09022015). Collection method: clinical testing. Allele origin: germline.

Blueprint Genetics
Classification: Uncertain significance. Last evaluated: 2023-12-29. Review status: criteria provided, single submitter. Criteria: ACMG Guidelines, 2015. Collection method: clinical testing. Allele origin: germline.